The following is an entry in ClinVar:

NM_000065.5(C6):c.1169-13C>G

Gene: C6 (complement C6; minus strand). Cytogenetic location: 5p13.1.
Variant type: single nucleotide variant.
Coding change: c.1169-13C>G on transcript NM_000065.5 (MANE Select); 13 bases into the intron before coding-DNA position 1169, C replaced by G.
Molecular consequence: intron variant.
Genome position (GRCh38, 1-based): chr5:41,172,360, G>C on the plus strand (C>G on the coding strand, the complement: C6 is on the minus strand). VCF-style: chr5-41172360-G-C. GRCh37 (hg19) VCF-style: chr5-41172462-G-C.
Other names: c.1169-13C>G (NM_001115131.4).
Identifiers: ClinVar variation 4711042 (VCV004711042.1).

ClinVar aggregate classification (germline): Uncertain significance (1 of 4 stars; one submission).

Submission:

Labcorp Genetics (formerly Invitae), Labcorp
Classification: Uncertain significance. Last evaluated: 2025-11-03. Review status: criteria provided, single submitter. Criteria: Invitae Variant Classification Sherloc (09022015). Collection method: clinical testing. Allele origin: germline.
Comment: This sequence change falls in intron 8 of the C6 gene. It does not directly change the encoded amino acid sequence of the C6 protein. This variant is not present in population databases (gnomAD no frequency). This variant has not been reported in the literature in individuals affected with C6-related conditions. Algorithms developed to predict the effect of sequence changes on RNA splicing suggest that this variant may disrupt the consensus splice site. In summary, the available evidence is currently insufficient to determine the role of this variant in disease. Therefore, it has been classified as a Variant of Uncertain Significance.